The following is an entry in ClinVar:

NM_014754.3(PTDSS1):c.1238A>C (p.Glu413Ala)

Gene: PTDSS1 (phosphatidylserine synthase 1; plus strand). Cytogenetic location: 8q22.1.
Variant type: single nucleotide variant.
Coding change: c.1238A>C on transcript NM_014754.3 (MANE Select); coding-DNA position 1238, A replaced by C.
Protein change: p.Glu413Ala; replaces glutamic acid 413 with alanine.
Molecular consequence: missense variant.
Genome position (GRCh38, 1-based): chr8:96,330,277, A>C. VCF-style: chr8-96330277-A-C. GRCh37 (hg19) VCF-style: chr8-97342505-A-C.
Other names: c.800A>C, p.Glu267Ala (NM_001290225.2); short protein forms E267A, E413A.
Identifiers: ClinVar variation 3252605 (VCV003252605.1), dbSNP rs2488205366.

ClinVar aggregate classification (germline): Uncertain significance (1 of 4 stars; one submission).

Submission:

GeneDx
Classification: Uncertain significance. Last evaluated: 2023-10-10. Review status: criteria provided, single submitter. Criteria: GeneDx Variant Classification Process June 2021. Collection method: clinical testing. Allele origin: germline. Affected: yes.
Comment: Not observed at significant frequency in large population cohorts (gnomAD); In silico analysis supports that this missense variant does not alter protein structure/function; Has not been previously published as pathogenic or benign to our knowledge